The following is an entry in ClinVar:

ClinVar aggregate classification (germline): Uncertain significance (1 of 4 stars; one submission).

Allele frequency attached by ClinVar (database versions not stated): gnomAD exomes below 0.00001.
gnomAD v4.1: 1 of 1,614,208 alleles (0.000062%); highest among the groups gnomAD compares: Non-Finnish European, 0.000085%; no homozygotes.

Submission:

Labcorp Genetics (formerly Invitae), Labcorp
Classification: Uncertain significance. Last evaluated: 2022-05-28. Review status: criteria provided, single submitter. Criteria: Invitae Variant Classification Sherloc (09022015). Collection method: clinical testing. Allele origin: germline.
Comment: In summary, the available evidence is currently insufficient to determine the role of this variant in disease. Therefore, it has been classified as a Variant of Uncertain Significance. Algorithms developed to predict the effect of missense changes on protein structure and function are either unavailable or do not agree on the potential impact of this missense change (SIFT: "Tolerated"; PolyPhen-2: "Possibly Damaging"; Align-GVGD: "Class C0"). This variant has not been reported in the literature in individuals affected with NFE2L2-related conditions. This variant is not present in population databases (gnomAD no frequency). This sequence change replaces leucine, which is neutral and non-polar, with phenylalanine, which is neutral and non-polar, at codon 324 of the NFE2L2 protein (p.Leu324Phe).

NM_006164.5(NFE2L2):c.970C>T (p.Leu324Phe)

Gene: NFE2L2 (NFE2 like bZIP transcription factor 2; minus strand). Cytogenetic location: 2q31.2.
Variant type: single nucleotide variant.
Coding change: c.970C>T on transcript NM_006164.5 (MANE Select); coding-DNA position 970, C replaced by T.
Protein change: p.Leu324Phe; replaces leucine 324 with phenylalanine.
Molecular consequence: missense variant.
Genome position (GRCh38, 1-based): chr2:177,231,633, G>A on the plus strand (C>T on the coding strand, the complement: NFE2L2 is on the minus strand). VCF-style: chr2-177231633-G-A. GRCh37 (hg19) VCF-style: chr2-178096361-G-A.
Other names: c.922C>T, p.Leu308Phe (NM_001145412.3, NM_001313900.1, NM_001313901.1); c.901C>T, p.Leu301Phe (NM_001145413.3); c.880C>T, p.Leu294Phe (NM_001313902.2); c.751C>T, p.Leu251Phe (NM_001313903.2); c.670C>T, p.Leu224Phe (NM_001313904.1); short protein forms L308F, L224F, L251F, L301F, L294F, L324F.
Identifiers: ClinVar variation 1957345 (VCV001957345.5), dbSNP rs2468285932, ClinGen allele CA349372813.
Genomic context (GRCh38, chr2:177,231,633, plus strand): 5'-AGTCAGAATCATTGAATTCTGCTGTGCTTTCAGGGTGGTTTTGGTTGAAAGCTTTGCAAA[G>A]TGATAGATCAGAAACATCAATGGGCCCATTTAGAAGTTCAGAGAGTGAATGGCTTAAAGT-3'
Protein context (NP_006155.2, residues 314-334): NGPIDVSDLS[Leu324Phe]CKAFNQNHPE